The following is an entry in ClinVar:

ClinVar aggregate classification (germline): Benign/Likely benign. Review status: criteria provided, multiple submitters, no conflicts (2 of 4 stars). 8 submissions from 8 submitters: Benign (3); Likely benign (3). 2 of the submissions do not count toward it. Last evaluated 2026-03-18.

Conditions:
SCN10A-related disorder. Also called: SCN10A-related condition.
Cardiovascular phenotype. Identifiers: MedGen CN230736.
Brugada syndrome. Also called: Sudden unexpected nocturnal death syndrome; Sudden unexplained nocturnal death syndrome; Sudden Unexplained Death Syndrome; Sudden Unexplained Nocturnal Death Syndrome (SUNDS). Identifiers: Orphanet 130, MedGen C1142166, MONDO:0015263.

Allele frequency attached by ClinVar (database versions not stated): gnomAD 0.00006; gnomAD exomes 0.00007 and 0.00027; TOPMed 0.00019; ExAC 0.00027; 1000 Genomes Project 30x 0.00297; 1000 Genomes Project 0.00300.
gnomAD v4.1: 162 of 1,614,164 alleles (0.01%); highest among the groups gnomAD compares: East Asian, 0.16%; no homozygotes.

Submissions (8):

PreventionGenetics, part of Exact Sciences
Classification: Benign for SCN10A-related condition. Last evaluated: 2026-03-18. Review status: criteria provided, single submitter. Criteria: ACMG Guidelines, 2015. Collection method: clinical testing. Allele origin: germline.
Comment: This variant is classified as benign based on ACMG/AMP sequence variant interpretation guidelines (Richards et al. 2015 PMID: 25741868, with internal and published modifications).

Labcorp Genetics (formerly Invitae), Labcorp
Classification: Benign for Brugada syndrome. Last evaluated: 2026-01-26. Review status: criteria provided, single submitter. Criteria: Invitae Variant Classification Sherloc (09022015). Collection method: clinical testing. Allele origin: germline.

Women's Health and Genetics/Laboratory Corporation of America, LabCorp
Classification: Benign. Last evaluated: 2025-05-30. Review status: criteria provided, single submitter. Criteria: LabCorp Variant Classification Summary - May 2015. Collection method: clinical testing. Allele origin: germline.

Blueprint Genetics
Classification: Likely benign. Last evaluated: 2024-06-07. Review status: criteria provided, single submitter. Criteria: ACMG Guidelines, 2015. Collection method: clinical testing. Allele origin: germline.

GeneDx
Classification: Likely benign. Last evaluated: 2021-01-20. Review status: criteria provided, single submitter. Criteria: GeneDx Variant Classification Process June 2021. Collection method: clinical testing. Allele origin: germline. Affected: yes.

Ambry Genetics
Classification: Likely benign for Cardiovascular phenotype. Last evaluated: 2019-05-19. Review status: criteria provided, single submitter. Criteria: Ambry Variant Classification Scheme 2023. Collection method: clinical testing. Allele origin: germline.

Clinical Genetics, Academic Medical Center
Classification: Benign. Review status: no assertion criteria provided. Collection method: clinical testing. Allele origin: germline. Affected: yes. Study: VKGL Data-share Consensus. Not counted in ClinVar's aggregate classification.

Joint Genome Diagnostic Labs from Nijmegen and Maastricht, Radboudumc and MUMC+
Classification: Likely benign. Review status: no assertion criteria provided. Collection method: clinical testing. Allele origin: germline. Affected: yes. Study: VKGL Data-share Consensus. Not counted in ClinVar's aggregate classification.

NM_006514.4(SCN10A):c.4515G>A (p.Thr1505=)

Gene: SCN10A (sodium voltage-gated channel alpha subunit 10; minus strand). Cytogenetic location: 3p22.2.
Variant type: single nucleotide variant.
Coding change: c.4515G>A on transcript NM_006514.4 (MANE Select); coding-DNA position 4515, G replaced by A.
Protein change: p.Thr1505=; no amino-acid change (threonine 1505 retained).
Molecular consequence: synonymous variant.
Genome position (GRCh38, 1-based): chr3:38,701,981, C>T on the plus strand (G>A on the coding strand, the complement: SCN10A is on the minus strand). VCF-style: chr3-38701981-C-T. GRCh37 (hg19) VCF-style: chr3-38743472-C-T.
Other names: c.4512G>A, p.Thr1504= (NM_001293306.2); c.4221G>A, p.Thr1407= (NM_001293307.2).
Identifiers: ClinVar variation 240675 (VCV000240675.20), dbSNP rs191624001, ClinGen allele CA2319881.